The following is an entry in ClinVar:

ClinVar aggregate classification (germline): Benign/Likely benign. Review status: criteria provided, multiple submitters, no conflicts (2 of 4 stars). 3 submissions from 3 submitters: Benign (1); Likely benign (2). Last evaluated 2026-01-27.

Conditions:
Methylmalonic acidemia with homocystinuria, type cblX (MAHCX). Also called: INTELLECTUAL DEVELOPMENTAL DISORDER, X-LINKED 3. Identifiers: Orphanet 369962, MedGen C0796208, MONDO:0010657, OMIM 309541.

Allele frequency attached by ClinVar (database versions not stated): gnomAD exomes 0.00025 and 0.00088; ExAC 0.00111; ESP Exome Variant Server 0.00255; gnomAD 0.00289 and 0.00292; TOPMed 0.00298; 1000 Genomes Project 30x 0.00458; 1000 Genomes Project 0.00556.
gnomAD v4.1: 618 of 1,203,934 alleles (0.051%); highest among the groups gnomAD compares: African/African-American, 0.93%; 2 homozygotes.

Submissions (3):

Labcorp Genetics (formerly Invitae), Labcorp
Classification: Benign for Methylmalonic acidemia with homocystinuria, type cblX. Last evaluated: 2026-01-27. Review status: criteria provided, single submitter. Criteria: Invitae Variant Classification Sherloc (09022015). Collection method: clinical testing. Allele origin: germline.

Blueprint Genetics
Classification: Likely benign. Last evaluated: 2024-05-29. Review status: criteria provided, single submitter. Criteria: ACMG Guidelines, 2015. Collection method: clinical testing. Allele origin: germline.

GeneDx
Classification: Likely benign. Last evaluated: 2018-02-21. Review status: criteria provided, single submitter. Criteria: GeneDx Variant Classification (06012015). Collection method: clinical testing. Allele origin: germline. Affected: yes.
Comment: This variant is considered likely benign or benign based on one or more of the following criteria: it is a conservative change, it occurs at a poorly conserved position in the protein, it is predicted to be benign by multiple in silico algorithms, and/or has population frequency not consistent with disease.

NM_005334.3(HCFC1):c.5958C>T (p.Arg1986=)

Gene: HCFC1 (host cell factor C1; minus strand). Cytogenetic location: Xq28.
Variant type: single nucleotide variant.
Coding change: c.5958C>T on transcript NM_005334.3 (MANE Select); coding-DNA position 5958, C replaced by T.
Protein change: p.Arg1986=; no amino-acid change (arginine 1986 retained).
Molecular consequence: synonymous variant.
Genome position (GRCh38, 1-based): chrX:153,950,289, G>A on the plus strand (C>T on the coding strand, the complement: HCFC1 is on the minus strand). VCF-style: chrX-153950289-G-A. GRCh37 (hg19) VCF-style: chrX-153215740-G-A.
Identifiers: ClinVar variation 511699 (VCV000511699.13), dbSNP rs149729439, ClinGen allele CA10556712.